The following is an entry in ClinVar:

NM_001244008.2(KIF1A):c.1859A>T (p.Glu620Val)

Gene: KIF1A (kinesin family member 1A; minus strand). Cytogenetic location: 2q37.3.
Variant type: single nucleotide variant.
Coding change: c.1859A>T on transcript NM_001244008.2 (MANE Select); coding-DNA position 1859, A replaced by T.
Protein change: p.Glu620Val; replaces glutamic acid 620 with valine.
Molecular consequence: missense variant.
Genome position (GRCh38, 1-based): chr2:240,763,256, T>A on the plus strand (A>T on the coding strand, the complement: KIF1A is on the minus strand). VCF-style: chr2-240763256-T-A. GRCh37 (hg19) VCF-style: chr2-241702673-T-A.
Other names: c.1859A>T, p.Glu620Val (NM_001320705.2, NM_001330289.2, NM_001379638.1); c.1934A>T, p.Glu645Val (NM_001330290.2, NM_001379631.1, NM_001379634.1 and 2 more transcripts); c.1832A>T, p.Glu611Val (NM_001379632.1, NM_001379633.1, NM_001379636.1 and 10 more transcripts); c.1907A>T, p.Glu636Val (NM_001379637.1, NM_001379648.1); short protein forms E611V, E620V, E636V, E645V.
Identifiers: ClinVar variation 3753712 (VCV003753712.2).

ClinVar aggregate classification (germline): Uncertain significance (1 of 4 stars; one submission).

Conditions:
Neuropathy, hereditary sensory, type 2C. Also called: KIF1A-Related HSAN2 (HSAN2C); Hereditary sensory and autonomic neuropathy type IIC. Identifiers: Orphanet 970, MedGen C3280168, MONDO:0013634, OMIM 614213.
Hereditary spastic paraplegia 30. Identifiers: Orphanet 101010, MedGen C5235139, MONDO:0012476.
Intellectual disability, autosomal dominant 9 (NESCAVS). Also called: KIF1A-Related Neurodevelopmental Disorder; NESCAV SYNDROME. Identifiers: Orphanet 662367, MedGen C5393830, MONDO:0013656, OMIM 614255.

Submission:

Labcorp Genetics (formerly Invitae), Labcorp
Classification: Uncertain significance for Hereditary spastic paraplegia 30; Neuropathy, hereditary sensory, type 2C; Intellectual disability, autosomal dominant 9. Last evaluated: 2024-07-10. Review status: criteria provided, single submitter. Criteria: Invitae Variant Classification Sherloc (09022015). Collection method: clinical testing. Allele origin: germline.
Comment: This sequence change replaces glutamic acid, which is acidic and polar, with valine, which is neutral and non-polar, at codon 611 of the KIF1A protein (p.Glu611Val). This variant is not present in population databases (gnomAD no frequency). This variant has not been reported in the literature in individuals affected with KIF1A-related conditions. Advanced modeling of protein sequence and biophysical properties (such as structural, functional, and spatial information, amino acid conservation, physicochemical variation, residue mobility, and thermodynamic stability) has been performed at Invitae for this missense variant, however the output from this modeling did not meet the statistical confidence thresholds required to predict the impact of this variant on KIF1A protein function. In summary, the available evidence is currently insufficient to determine the role of this variant in disease. Therefore, it has been classified as a Variant of Uncertain Significance.